The following is an entry in ClinVar:

NM_004082.5(DCTN1):c.433-3C>T

Gene: DCTN1 (dynactin subunit 1; minus strand). Cytogenetic location: 2p13.1.
Variant type: single nucleotide variant.
Coding change: c.433-3C>T on transcript NM_004082.5 (MANE Select); 3 bases into the intron before coding-DNA position 433, C replaced by T.
Molecular consequence: intron variant.
Genome position (GRCh38, 1-based): chr2:74,372,951, G>A on the plus strand (C>T on the coding strand, the complement: DCTN1 is on the minus strand). VCF-style: chr2-74372951-G-A. GRCh37 (hg19) VCF-style: chr2-74600078-G-A.
Other names: c.343-1223C>T (NM_001190836.2); c.364-3C>T (NM_001378992.1); c.382-3C>T (NM_001378991.1); c.394-1223C>T (NM_001135040.3); c.412-3C>T (NM_001190837.2); c.31-3C>T (NM_001135041.3, NM_023019.4).
Identifiers: ClinVar variation 871764 (VCV000871764.48), dbSNP rs375832615, ClinGen allele CA50477966.

ClinVar aggregate classification (germline): Uncertain significance. Review status: criteria provided, multiple submitters, no conflicts (2 of 4 stars). 3 submissions from 3 submitters: Uncertain significance (3). Last evaluated 2026-01-19.

Conditions:
Neuronopathy, distal hereditary motor, type 7B. Also called: NEURONOPATHY, DISTAL HEREDITARY MOTOR, AUTOSOMAL DOMINANT 14; NEURONOPATHY, DISTAL HEREDITARY MOTOR, HARDING TYPE VIIB; NEUROPATHY, DISTAL HEREDITARY MOTOR, HARDING TYPE VIIB; NEUROPATHY, DISTAL HEREDITARY MOTOR, WITH VOCAL CORD PARALYSIS, HARDING TYPE VIIB; Distal Hereditary Motor Neuronopathy Type 7B (dHMN7B); HMN VIIB. Identifiers: Orphanet 139589, MedGen C1843315, MONDO:0011879, OMIM 607641.
Amyotrophic lateral sclerosis type 1 (ALS1). Also called: AMYOTROPHIC LATERAL SCLEROSIS 1, FAMILIAL. Identifiers: Orphanet 803, MedGen C1862939, MONDO:0007103, OMIM 105400.
Perry syndrome. Also called: PARKINSONISM WITH ALVEOLAR HYPOVENTILATION AND MENTAL DEPRESSION. Identifiers: Orphanet 178509, MedGen C1868594, MONDO:0008201, OMIM 168605.

Allele frequency attached by ClinVar (database versions not stated): TOPMed 0.00001; ESP Exome Variant Server 0.00008.

Submissions (3):

Labcorp Genetics (formerly Invitae), Labcorp
Classification: Uncertain significance for Amyotrophic lateral sclerosis type 1; Neuronopathy, distal hereditary motor, type 7B; Perry syndrome. Last evaluated: 2026-01-19. Review status: criteria provided, single submitter. Criteria: Invitae Variant Classification Sherloc (09022015). Collection method: clinical testing. Allele origin: germline.
Comment: This sequence change falls in intron 6 of the DCTN1 gene. It does not directly change the encoded amino acid sequence of the DCTN1 protein. It affects a nucleotide within the consensus splice site. This variant is not present in population databases (gnomAD no frequency). This variant has not been reported in the literature in individuals affected with DCTN1-related conditions. ClinVar contains an entry for this variant (Variation ID: 871764). Variants that disrupt the consensus splice site are a relatively common cause of aberrant splicing (PMID: 17576681, 9536098). Algorithms developed to predict the effect of sequence changes on RNA splicing suggest that this variant is not likely to affect RNA splicing. In summary, the available evidence is currently insufficient to determine the role of this variant in disease. Therefore, it has been classified as a Variant of Uncertain Significance.

CeGaT Center for Human Genetics Tuebingen
Classification: Uncertain significance. Last evaluated: 2025-01-01. Review status: criteria provided, single submitter. Criteria: CeGaT Center For Human Genetics Tuebingen Variant Classification Criteria Version 2. Collection method: clinical testing. Allele origin: germline. Affected: yes. Observed: 2 variant alleles.
Comment: DCTN1: PM2, BP4

ARUP Laboratories, Molecular Genetics and Genomics, ARUP Laboratories
Classification: Uncertain significance. Last evaluated: 2023-12-28. Review status: criteria provided, single submitter. Criteria: ARUP Molecular Germline Variant Investigation Process 2024. Collection method: clinical testing. Allele origin: germline.
Comment: The DCTN1 c.433-3C>T variant (rs375832615), to our knowledge, is not reported in the medical literature but is reported in ClinVar (Variation ID: 871764). This variant is absent from the Genome Aggregation Database (v2.1.1), indicating it is not a common polymorphism. This is an intronic variant and computational analyses (Alamut Visual Plus v.1.5.1) predict that this variant does not alter splicing. However, since this variant is located within the minimal splice region, the clinical significance of this variant is uncertain at this time.

Literature cited by the submitters: PubMed 17576681 (cited by Labcorp Genetics (formerly Invitae), Labcorp); PubMed 9536098 (cited by Labcorp Genetics (formerly Invitae), Labcorp).